The following is an entry in ClinVar:

NM_000181.4(GUSB):c.536C>T (p.Thr179Ile)

Gene: GUSB (glucuronidase beta; minus strand). Cytogenetic location: 7q11.21.
Variant type: single nucleotide variant.
Coding change: c.536C>T on transcript NM_000181.4 (MANE Select); coding-DNA position 536, C replaced by T.
Protein change: p.Thr179Ile; replaces threonine 179 with isoleucine.
Molecular consequence: missense variant. On other transcripts: non-coding transcript variant (1), intron variant (3).
Genome position (GRCh38, 1-based): chr7:65,979,772, G>A on the plus strand (C>T on the coding strand, the complement: GUSB is on the minus strand). VCF-style: chr7-65979772-G-A. GRCh37 (hg19) VCF-style: chr7-65444759-G-A.
Other names: c.67+452C>T (NM_001293105.2); c.12-231C>T (NM_001293104.2); c.474+62C>T (NM_001284290.2); short protein forms T179I.
Identifiers: ClinVar variation 945528 (VCV000945528.9), dbSNP rs1427132394, ClinGen allele CA367650174.

ClinVar aggregate classification (germline): Uncertain significance (1 of 4 stars; one submission).

Conditions:
Mucopolysaccharidosis type 7 (MPS7). Also called: BETA-GLUCURONIDASE DEFICIENCY; GUSB DEFICIENCY; MPS VII; SLY SYNDROME. Identifiers: Orphanet 584, MedGen C0085132, MONDO:0009662, OMIM 253220.

gnomAD v4.1: 3 of 1,613,836 alleles (0.00019%); highest among the groups gnomAD compares: Non-Finnish European, 0.00025%; no homozygotes.

Submission:

Labcorp Genetics (formerly Invitae), Labcorp
Classification: Uncertain significance for Mucopolysaccharidosis type 7. Last evaluated: 2019-07-22. Review status: criteria provided, single submitter. Criteria: Invitae Variant Classification Sherloc (09022015). Collection method: clinical testing. Allele origin: germline.
Comment: In summary, the available evidence is currently insufficient to determine the role of this variant in disease. Therefore, it has been classified as a Variant of Uncertain Significance. Algorithms developed to predict the effect of missense changes on protein structure and function (SIFT, PolyPhen-2, Align-GVGD) all suggest that this variant is likely to be tolerated, but these predictions have not been confirmed by published functional studies and their clinical significance is uncertain. This variant has not been reported in the literature in individuals with GUSB-related conditions. This variant is not present in population databases (ExAC no frequency). This sequence change replaces threonine with isoleucine at codon 179 of the GUSB protein (p.Thr179Ile). The threonine residue is weakly conserved and there is a moderate physicochemical difference between threonine and isoleucine.